The following is an entry in ClinVar:

NM_152443.3(RDH12):c.849-1G>A

Genes: GPHN (gephyrin; plus strand), RDH12 (retinol dehydrogenase 12; plus strand), ZFYVE26 (zinc finger FYVE-type containing 26; minus strand). Cytogenetic location: 14q24.1.
Variant type: single nucleotide variant.
Coding change: c.849-1G>A on transcript NM_152443.3 (MANE Select); the canonical splice acceptor site of the intron before coding-DNA position 849, G replaced by A.
Molecular consequence: splice acceptor variant.
Genome position (GRCh38, 1-based): chr14:67,733,745, G>A. VCF-style: chr14-67733745-G-A. GRCh37 (hg19) VCF-style: chr14-68200462-G-A.
Identifiers: ClinVar variation 4816880 (VCV004816880.1).
Genomic context (GRCh38, chr14:67,733,745, plus strand): 5'-TAAAGATTTCCAGACTGCTAATTCTCATTCCTGGAATTTACTGTCTTTCTCTGCCCTCCA[G>A]TGACTGCAAGAGGACCTGGGTGTCTCCAAGGGCCCGAAATAACAAAACAGCTGAGCGCCT-3'

ClinVar aggregate classification (germline): Likely pathogenic (1 of 4 stars; one submission).

Conditions:
Leber congenital amaurosis (LCA). Also called: Leber's amaurosis. Identifiers: Orphanet 65, MedGen C0339527, MeSH D057130, MONDO:0018998.

Submission:

Natera, Inc.
Classification: Likely pathogenic for Leber congenital amaurosis. Last evaluated: 2026-01-12. Review status: criteria provided, single submitter. Criteria: Natera Variant Classification Schema (03/2026). Collection method: clinical testing. Allele origin: germline.
Comment: The c.849-1G>A variant in RDH12 is a canonical splice acceptor site variant predicted to affect pre-mRNA splicing, which may result in an abnormal transcript and altered protein product. This variant is expected to result in nonsense mediated decay, truncation, or a dysfunctional protein product. This variant is rare in the general population with a frequency below the threshold expected for the associated phenotype(s). Given the available evidence, this variant is classified as Likely Pathogenic.